The following is an entry in ClinVar:

NM_000138.5(FBN1):c.8285C>A (p.Ala2762Asp)

Gene: FBN1 (fibrillin 1; minus strand). Cytogenetic location: 15q21.1.
Variant type: single nucleotide variant.
Coding change: c.8285C>A on transcript NM_000138.5 (MANE Select); coding-DNA position 8285, C replaced by A.
Protein change: p.Ala2762Asp; replaces alanine 2762 with aspartic acid.
Molecular consequence: missense variant.
Genome position (GRCh38, 1-based): chr15:48,411,321, G>T on the plus strand (C>A on the coding strand, the complement: FBN1 is on the minus strand). VCF-style: chr15-48411321-G-T. GRCh37 (hg19) VCF-style: chr15-48703518-G-T.
Other names: c.8285C>A, p.Ala2762Asp (NM_001406716.1); short protein forms A2762D.
Identifiers: ClinVar variation 1917488 (VCV001917488.5), dbSNP rs2505371655, ClinGen allele CA392319914.

ClinVar aggregate classification (germline): Uncertain significance (1 of 4 stars; one submission).

Conditions:
Familial thoracic aortic aneurysm and aortic dissection (TAAD). Also called: Thoracic aortic aneurysms and dissections. Identifiers: Orphanet 91387, MedGen C4707243, MONDO:0019625.
Marfan syndrome (MFS). Also called: MARFAN SYNDROME, TYPE I; Marfan syndrome type 1; Marfan's syndrome; Marfan syndrome, classic; FBN1-Related Marfan Syndrome. Identifiers: Orphanet 284963, Orphanet 558, MedGen C0024796, MONDO:0007947, OMIM 154700.

Submission:

Labcorp Genetics (formerly Invitae), Labcorp
Classification: Uncertain significance for Marfan syndrome; Familial thoracic aortic aneurysm and aortic dissection. Last evaluated: 2022-06-08. Review status: criteria provided, single submitter. Criteria: Invitae Variant Classification Sherloc (09022015). Collection method: clinical testing. Allele origin: germline.
Comment: In summary, the available evidence is currently insufficient to determine the role of this variant in disease. Therefore, it has been classified as a Variant of Uncertain Significance. Algorithms developed to predict the effect of missense changes on protein structure and function (SIFT, PolyPhen-2, Align-GVGD) all suggest that this variant is likely to be tolerated. This variant has not been reported in the literature in individuals affected with FBN1-related conditions. This variant is not present in population databases (gnomAD no frequency). This sequence change replaces alanine, which is neutral and non-polar, with aspartic acid, which is acidic and polar, at codon 2762 of the FBN1 protein (p.Ala2762Asp).